The following is an entry in ClinVar:

NM_000540.3(RYR1):c.7451C>T (p.Ala2484Val)

Gene: RYR1 (ryanodine receptor 1; plus strand). Cytogenetic location: 19q13.2.
Variant type: single nucleotide variant.
Coding change: c.7451C>T on transcript NM_000540.3 (MANE Select); coding-DNA position 7451, C replaced by T.
Protein change: p.Ala2484Val; replaces alanine 2484 with valine.
Molecular consequence: missense variant.
Genome position (GRCh38, 1-based): chr19:38,500,827, C>T. VCF-style: chr19-38500827-C-T. GRCh37 (hg19) VCF-style: chr19-38991467-C-T.
Other names: c.7451C>T, p.Ala2484Val (NM_001042723.2); short protein forms A2484V.
Identifiers: ClinVar variation 2178549 (VCV002178549.2), dbSNP rs2514321559, ClinGen allele CA405670236.

ClinVar aggregate classification (germline): Uncertain significance. Review status: criteria provided, multiple submitters, no conflicts (2 of 4 stars). 2 submissions from 2 submitters: Uncertain significance (2). Last evaluated 2024-07-29.

Conditions:
RYR1-related disorder. Also called: RYR1-related condition; RYR1-related disorders. Identifiers: MedGen CN239331.
Malignant hyperthermia, susceptibility to, 1 (MHS1). Also called: Anesthesia related hyperthermia; Malignant hyperpyrexia; Fulminating hyperpyrexia; Pharmacogenic myopathy; RYR1-Related Malignant Hyperthermia Susceptibility; Malignant hyperthermia suceptibility 1. Identifiers: Orphanet 423, MedGen C2930980, MONDO:0007783, OMIM 145600.

gnomAD v4.1: 1 of 1,530,472 alleles (0.000065%); no homozygotes.

Submissions (2):

All of Us Research Program, National Institutes of Health
Classification: Uncertain significance for Malignant hyperthermia, susceptibility to, 1. Last evaluated: 2024-07-29. Review status: criteria provided, single submitter. Criteria: ACMG Guidelines, 2015. Collection method: clinical testing. Allele origin: germline. Inheritance: Autosomal dominant inheritance. Observed: 1 variant allele, 1 heterozygote.
Comment: This missense variant replaces alanine with valine at codon 2484 of the RYR1 protein. Computational prediction is inconclusive regarding the impact of this variant on protein structure and function (internally defined REVEL score threshold 0.5 < inconclusive < 0.7, PMID: 27666373). To our knowledge, functional studies have not been reported for this variant. This variant has not been reported in individuals affected with RYR1-related disorders in the literature. This variant has not been identified in the general population by the Genome Aggregation Database (gnomAD). The available evidence is insufficient to determine the role of this variant in disease conclusively. Therefore, this variant is classified as a Variant of Uncertain Significance.

This study involves interpretation of variants in research participants for the purpose of population health screening. Participant phenotype was not available at the time of variant classification. Additional details can be found in publication PMID: 35346344, PMCID: PMC8962531

Labcorp Genetics (formerly Invitae), Labcorp
Classification: Uncertain significance for RYR1-related disorder. Last evaluated: 2021-04-05. Review status: criteria provided, single submitter. Criteria: Invitae Variant Classification Sherloc (09022015). Collection method: clinical testing. Allele origin: germline.
Comment: This sequence change replaces alanine with valine at codon 2484 of the RYR1 protein (p.Ala2484Val). The alanine residue is moderately conserved and there is a small physicochemical difference between alanine and valine. This variant is not present in population databases (ExAC no frequency). This variant has not been reported in the literature in individuals with RYR1-related conditions. Advanced modeling of protein sequence and biophysical properties (such as structural, functional, and spatial information, amino acid conservation, physicochemical variation, residue mobility, and thermodynamic stability) performed at Invitae indicates that this missense variant is not expected to disrupt RYR1 protein function. In summary, the available evidence is currently insufficient to determine the role of this variant in disease. Therefore, it has been classified as a Variant of Uncertain Significance.